The following is an entry in ClinVar:

ClinVar aggregate classification (germline): Uncertain significance. Review status: criteria provided, multiple submitters, no conflicts (2 of 4 stars). 3 submissions from 3 submitters: Uncertain significance (3). Last evaluated 2026-03-19.

Conditions:
Familial thoracic aortic aneurysm and aortic dissection (TAAD). Also called: Thoracic aortic aneurysms and dissections. Identifiers: Orphanet 91387, MedGen C4707243, MONDO:0019625.
Marfan syndrome (MFS). Also called: MARFAN SYNDROME, TYPE I; Marfan syndrome type 1; Marfan's syndrome; Marfan syndrome, classic; FBN1-Related Marfan Syndrome. Identifiers: Orphanet 284963, Orphanet 558, MedGen C0024796, MONDO:0007947, OMIM 154700.

Allele frequency attached by ClinVar (database versions not stated): gnomAD exomes below 0.00001.
gnomAD v4.1: 3 of 1,614,126 alleles (0.00019%); highest among the groups gnomAD compares: East Asian, 0.0022%; no homozygotes.

Submissions (3):

GeneDx
Classification: Uncertain significance. Last evaluated: 2026-03-19. Review status: criteria provided, single submitter. Criteria: GeneDx Variant Classification Process June 2021. Collection method: clinical testing. Allele origin: germline.
Comment: Not observed at significant frequency in large population cohorts (gnomAD); In silico analysis supports that this missense variant has a deleterious effect on protein structure/function; Has not been previously published as pathogenic or benign to our knowledge; Does not affect a cysteine or calcium-binding residue within an EGF-like domain or a TGF-binding protein domain of the FBN1 gene; cysteine substitutions in the EGF-like domains represent the majority of pathogenic missense changes associated with FBN1-related disorders (PMID: 12938084); This variant is associated with the following publications: (PMID: 12938084)

Color Diagnostics, LLC DBA Color Health
Classification: Uncertain significance for Familial thoracic aortic aneurysm and aortic dissection. Last evaluated: 2025-11-17. Review status: criteria provided, single submitter. Criteria: ACMG Guidelines, 2015. Collection method: clinical testing. Allele origin: germline.
Comment: This missense variant replaces proline with leucine at codon 185 of the FBN1 protein. Computational prediction is inconclusive regarding the impact of this variant on protein structure and function. To our knowledge, functional studies have not been reported for this variant. This variant has not been reported in individuals affected with FBN1-related disorders in the literature. This variant has been identified in 3/1614126 chromosomes in the general population by the Genome Aggregation Database (gnomAD). The available evidence is insufficient to determine the role of this variant in disease conclusively. Therefore, this variant is classified as a Variant of Uncertain Significance.

Labcorp Genetics (formerly Invitae), Labcorp
Classification: Uncertain significance for Marfan syndrome; Familial thoracic aortic aneurysm and aortic dissection. Last evaluated: 2024-01-18. Review status: criteria provided, single submitter. Criteria: Invitae Variant Classification Sherloc (09022015). Collection method: clinical testing. Allele origin: germline.
Comment: This sequence change replaces proline, which is neutral and non-polar, with leucine, which is neutral and non-polar, at codon 185 of the FBN1 protein (p.Pro185Leu). This variant is not present in population databases (gnomAD no frequency). This variant has not been reported in the literature in individuals affected with FBN1-related conditions. Advanced modeling of protein sequence and biophysical properties (such as structural, functional, and spatial information, amino acid conservation, physicochemical variation, residue mobility, and thermodynamic stability) performed at Invitae indicates that this missense variant is expected to disrupt FBN1 protein function with a positive predictive value of 95%. In summary, the available evidence is currently insufficient to determine the role of this variant in disease. Therefore, it has been classified as a Variant of Uncertain Significance.

NM_000138.5(FBN1):c.554C>T (p.Pro185Leu)

Gene: FBN1 (fibrillin 1; minus strand). Cytogenetic location: 15q21.1.
Variant type: single nucleotide variant.
Coding change: c.554C>T on transcript NM_000138.5 (MANE Select); coding-DNA position 554, C replaced by T.
Protein change: p.Pro185Leu; replaces proline 185 with leucine.
Molecular consequence: missense variant.
Genome position (GRCh38, 1-based): chr15:48,537,793, G>A on the plus strand (C>T on the coding strand, the complement: FBN1 is on the minus strand). VCF-style: chr15-48537793-G-A. GRCh37 (hg19) VCF-style: chr15-48829990-G-A.
Other names: c.554C>T, p.Pro185Leu (NM_001406716.1, NM_001406717.1); short protein forms P185L.
Identifiers: ClinVar variation 2933748 (VCV002933748.5), dbSNP rs2044026856, ClinGen allele CA392446167.